The following is an entry in ClinVar:

ClinVar aggregate classification (germline): Conflicting classifications of pathogenicity. Review status: criteria provided, conflicting classifications (1 of 4 stars). 3 submissions from 3 submitters: Uncertain significance (2); Likely benign (1). Last evaluated 2024-01-02.

Conditions:
Hypertrophic cardiomyopathy 11. Also called: ACTC1-Related Familial Hypertrophic Cardiomyopathy. Identifiers: MedGen C2677506, MONDO:0012799, OMIM 612098.
Dilated cardiomyopathy 1R (CMD1R). Identifiers: Orphanet 154, Orphanet 54260, MedGen C3150681, MONDO:0013261, OMIM 613424.
Atrial septal defect 5 (ASD5). Identifiers: Orphanet 1478, MedGen C2748552, MONDO:0013011, OMIM 612794.
Hypertrophic cardiomyopathy. Also called: HYPERTROPHIC MYOCARDIOPATHY. Identifiers: Orphanet 217569, MedGen C0007194, MeSH D002312, MONDO:0005045, HP:0001639.

Submissions (3):

Labcorp Genetics (formerly Invitae), Labcorp
Classification: Uncertain significance for Dilated cardiomyopathy 1R; Hypertrophic cardiomyopathy 11; Atrial septal defect 5. Last evaluated: 2024-01-02. Review status: criteria provided, single submitter. Criteria: Invitae Variant Classification Sherloc (09022015). Collection method: clinical testing. Allele origin: germline.
Comment: This sequence change falls in intron 6 of the ACTC1 gene. It does not directly change the encoded amino acid sequence of the ACTC1 protein. It affects a nucleotide within the consensus splice site. This variant is not present in population databases (gnomAD no frequency). This variant has not been reported in the literature in individuals affected with ACTC1-related conditions. ClinVar contains an entry for this variant (Variation ID: 1272947). Variants that disrupt the consensus splice site are a relatively common cause of aberrant splicing (PMID: 17576681, 9536098). Algorithms developed to predict the effect of sequence changes on RNA splicing suggest that this variant is not likely to affect RNA splicing. In summary, the available evidence is currently insufficient to determine the role of this variant in disease. Therefore, it has been classified as a Variant of Uncertain Significance.

All of Us Research Program, National Institutes of Health
Classification: Uncertain significance for Hypertrophic cardiomyopathy. Last evaluated: 2023-11-02. Review status: criteria provided, single submitter. Criteria: ACMG Guidelines, 2015. Collection method: clinical testing. Allele origin: germline. Inheritance: Autosomal dominant inheritance. Observed: 1 variant allele, 1 heterozygote.
Comment: This variant causes a G to A nucleotide substitution at the +6 position of intron 6 of the ACTC1 gene. To our knowledge, functional studies have not been reported for this variant. This variant has not been reported in individuals affected with ACTC1-related disorders in the literature. This variant has not been identified in the general population by the Genome Aggregation Database (gnomAD). The available evidence is insufficient to determine the role of this variant in disease conclusively. Therefore, this variant is classified as a Variant of Uncertain Significance.

This study involves interpretation of variants in research participants for the purpose of population health screening. Participant phenotype was not available at the time of variant classification. Additional details can be found in publication PMID: 35346344, PMCID: PMC8962531

GeneDx
Classification: Likely benign. Last evaluated: 2021-06-14. Review status: criteria provided, single submitter. Criteria: GeneDx Variant Classification Process June 2021. Collection method: clinical testing. Allele origin: germline. Affected: yes.

Literature cited by the submitters: PubMed 17576681 (cited by Labcorp Genetics (formerly Invitae), Labcorp); PubMed 9536098 (cited by Labcorp Genetics (formerly Invitae), Labcorp).

NM_005159.5(ACTC1):c.990+6G>A

Genes: ACTC1 (actin alpha cardiac muscle 1; minus strand), GJD2-DT (GJD2 divergent transcript; plus strand). Cytogenetic location: 15q14.
Variant type: single nucleotide variant.
Coding change: c.990+6G>A on transcript NM_005159.5 (MANE Select); 6 bases into the intron after coding-DNA position 990, G replaced by A.
Molecular consequence: intron variant.
Genome position (GRCh38, 1-based): chr15:34,791,108, C>T on the plus strand (G>A on the coding strand, the complement: ACTC1 is on the minus strand). VCF-style: chr15-34791108-C-T. GRCh37 (hg19) VCF-style: chr15-35083309-C-T.
Identifiers: ClinVar variation 1272947 (VCV001272947.5), dbSNP rs749154513, ClinGen allele CA2499222893.